The following is an entry in ClinVar:

ClinVar aggregate classification (germline): Pathogenic (1 of 4 stars; one submission).

Conditions:
Marfan syndrome (MFS). Also called: MARFAN SYNDROME, TYPE I; Marfan syndrome type 1; Marfan's syndrome; Marfan syndrome, classic; FBN1-Related Marfan Syndrome. Identifiers: Orphanet 284963, Orphanet 558, MedGen C0024796, MONDO:0007947, OMIM 154700.
Familial thoracic aortic aneurysm and aortic dissection (TAAD). Also called: Thoracic aortic aneurysms and dissections. Identifiers: Orphanet 91387, MedGen C4707243, MONDO:0019625.

Submission:

Labcorp Genetics (formerly Invitae), Labcorp
Classification: Pathogenic for Marfan syndrome; Familial thoracic aortic aneurysm and aortic dissection. Last evaluated: 2024-05-21. Review status: criteria provided, single submitter. Criteria: Invitae Variant Classification Sherloc (09022015). Collection method: clinical testing. Allele origin: germline.
Comment: This sequence change creates a premature translational stop signal (p.Gln2141Hisfs*21) in the FBN1 gene. It is expected to result in an absent or disrupted protein product. Loss-of-function variants in FBN1 are known to be pathogenic (PMID: 17657824, 19293843). This variant is not present in population databases (gnomAD no frequency). This variant has not been reported in the literature in individuals affected with FBN1-related conditions. For these reasons, this variant has been classified as Pathogenic.

Literature cited by the submitters: PubMed 17657824; PubMed 19293843.

NM_000138.5(FBN1):c.6423_6427del (p.Gln2141fs)

Gene: FBN1 (fibrillin 1; minus strand). Cytogenetic location: 15q21.1.
Variant type: Deletion.
Coding change: c.6423_6427del on transcript NM_000138.5 (MANE Select); coding-DNA positions 6423 to 6427, 5 bases deleted (GTGCA; older notation c.6423_6427delGTGCA).
Protein change: p.Gln2141fs; shifts the reading frame from glutamine 2141.
Molecular consequence: frameshift variant.
Genome position (GRCh38, 1-based): chr15:48,437,030-48,437,034, TGCAC deleted on the plus strand (GTGCA on the coding strand, the reverse complement: FBN1 is on the minus strand); deleting any 5 consecutive bases within chr15:48,437,030-48,437,036 gives the same sequence; the c. name uses the placement nearest the transcript's 3' end. VCF-style (leftmost placement, unchanged base first): chr15-48437029-ATGCAC-A. GRCh37 (hg19) VCF-style: chr15-48729226-ATGCAC-A.
Other names: c.6423_6427del, p.Gln2141fs (NM_001406716.1); short protein forms Q2141fs.
Identifiers: ClinVar variation 3756447 (VCV003756447.2).